The following is an entry in ClinVar:

NM_138927.4(SON):c.4122T>C (p.Thr1374=)

Gene: SON (SON DNA and RNA binding protein; plus strand). Cytogenetic location: 21q22.11.
Variant type: single nucleotide variant.
Coding change: c.4122T>C on transcript NM_138927.4 (MANE Select); coding-DNA position 4122, T replaced by C.
Protein change: p.Thr1374=; no amino-acid change (threonine 1374 retained).
Molecular consequence: synonymous variant. On other transcripts: non-coding transcript variant (1), intron variant (1).
Genome position (GRCh38, 1-based): chr21:33,553,353, T>C. VCF-style: chr21-33553353-T-C. GRCh37 (hg19) VCF-style: chr21-34925659-T-C.
Other names: c.4122T>C, p.Thr1374= (NM_001291411.2, NM_032195.3); c.245-3803T>C (NM_001291412.3).
Identifiers: ClinVar variation 782069 (VCV000782069.46), dbSNP rs148012048, ClinGen allele CA10009457.

ClinVar aggregate classification (germline): Benign. Review status: criteria provided, multiple submitters, no conflicts (2 of 4 stars). 4 submissions from 4 submitters: Benign (4). Last evaluated 2026-09-01.

Allele frequency attached by ClinVar (database versions not stated): 1000 Genomes Project 0.00479; gnomAD exomes 0.00750; gnomAD 0.00801 and 0.00810; ExAC 0.00804; ESP Exome Variant Server 0.00923.

Submissions (4):

CeGaT Center for Human Genetics Tuebingen
Classification: Benign. Last evaluated: 2026-09-01. Review status: criteria provided, single submitter. Criteria: CeGaT Center For Human Genetics Tuebingen Variant Classification Criteria Version 2. Collection method: clinical testing. Allele origin: germline. Affected: yes. Observed: 52 variant alleles.
Comment: SON: BP4, BP7, BS1, BS2

Labcorp Genetics (formerly Invitae), Labcorp
Classification: Benign. Last evaluated: 2026-02-02. Review status: criteria provided, single submitter. Criteria: Invitae Variant Classification Sherloc (09022015). Collection method: clinical testing. Allele origin: germline.

Genetic Services Laboratory, University of Chicago
Classification: Benign. Last evaluated: 2018-08-27. Review status: criteria provided, single submitter. Criteria: ACMG Guidelines, 2015. Collection method: clinical testing. Allele origin: germline. Affected: no.

Breakthrough Genomics
Classification: Benign. Review status: criteria provided, single submitter. Criteria: ACMG Guidelines, 2015. Collection method: not provided. Allele origin: germline. Inheritance: Autosomal dominant inheritance. Affected: yes.